The following is an entry in ClinVar:

ClinVar aggregate classification (germline): Uncertain significance (1 of 4 stars; one submission).

Conditions:
Spastic paraplegia. Identifiers: MedGen C0037772, HP:0001258.

Allele frequency attached by ClinVar (database versions not stated): gnomAD exomes 0.00001.
gnomAD v4.1: 9 of 1,609,422 alleles (0.00056%); highest among the groups gnomAD compares: South Asian, 0.0011%; no homozygotes.

Submission:

Labcorp Genetics (formerly Invitae), Labcorp
Classification: Uncertain significance for Spastic paraplegia. Last evaluated: 2022-07-06. Review status: criteria provided, single submitter. Criteria: Invitae Variant Classification Sherloc (09022015). Collection method: clinical testing. Allele origin: germline.
Comment: In summary, the available evidence is currently insufficient to determine the role of this variant in disease. Therefore, it has been classified as a Variant of Uncertain Significance. This sequence change replaces aspartic acid, which is acidic and polar, with valine, which is neutral and non-polar, at codon 1486 of the SACS protein (p.Asp1486Val). This variant is not present in population databases (gnomAD no frequency). This variant has not been reported in the literature in individuals affected with SACS-related conditions. ClinVar contains an entry for this variant (Variation ID: 1064284). Advanced modeling of protein sequence and biophysical properties (such as structural, functional, and spatial information, amino acid conservation, physicochemical variation, residue mobility, and thermodynamic stability) performed at Invitae indicates that this missense variant is expected to disrupt SACS protein function.

NM_014363.6(SACS):c.4457A>T (p.Asp1486Val)

Gene: SACS (sacsin molecular chaperone; minus strand). Cytogenetic location: 13q12.12.
Variant type: single nucleotide variant.
Coding change: c.4457A>T on transcript NM_014363.6 (MANE Select); coding-DNA position 4457, A replaced by T.
Protein change: p.Asp1486Val; replaces aspartic acid 1486 with valine.
Molecular consequence: missense variant.
Genome position (GRCh38, 1-based): chr13:23,339,419, T>A on the plus strand (A>T on the coding strand, the complement: SACS is on the minus strand). VCF-style: chr13-23339419-T-A. GRCh37 (hg19) VCF-style: chr13-23913558-T-A.
Other names: c.4016A>T, p.Asp1339Val (NM_001278055.2); short protein forms D1339V, D1486V.
Identifiers: ClinVar variation 1064284 (VCV001064284.9), dbSNP rs2137627584, ClinGen allele CA387528981.
Genomic context (GRCh38, chr13:23,339,419, plus strand): 5'-CTTATGTCCATATTTCTTCTCATATCAATCAAGAAACTGCATTCTGTTGCATTTGCATCA[T>A]CAGCGTTTTGAAGTAGTTCTTTAAAAATATCTGACACTGAAGGGTATTCTTCCAGAATAT-3'
Protein context (NP_055178.3, residues 1476-1496): DIFKELLQNA[Asp1486Val]DANATECSFL